The following is an entry in ClinVar:

NM_004612.4(TGFBR1):c.342T>A (p.Thr114=)

Gene: TGFBR1 (transforming growth factor beta receptor 1; plus strand). Cytogenetic location: 9q22.33.
Variant type: single nucleotide variant.
Coding change: c.342T>A on transcript NM_004612.4 (MANE Select); coding-DNA position 342, T replaced by A.
Protein change: p.Thr114=; no amino-acid change (threonine 114 retained).
Molecular consequence: synonymous variant.
Genome position (GRCh38, 1-based): chr9:99,129,099, T>A. VCF-style: chr9-99129099-T-A. GRCh37 (hg19) VCF-style: chr9-101891381-T-A.
Other names: c.342T>A, p.Thr114= (NM_001130916.3, NM_001306210.2).
Identifiers: ClinVar variation 636440 (VCV000636440.10), dbSNP rs371415976, ClinGen allele CA041570.

ClinVar aggregate classification (germline): Conflicting classifications of pathogenicity. Review status: criteria provided, conflicting classifications (1 of 4 stars). 3 submissions from 3 submitters: Uncertain significance (2); Likely benign (1). Last evaluated 2023-02-24.

Conditions:
Familial thoracic aortic aneurysm and aortic dissection (TAAD). Also called: Thoracic aortic aneurysms and dissections. Identifiers: Orphanet 91387, MedGen C4707243, MONDO:0019625.
Loeys-Dietz syndrome (LDS). Identifiers: Orphanet 60030, MedGen C2697932, MONDO:0018954.

Allele frequency attached by ClinVar (database versions not stated): gnomAD exomes below 0.00001.
gnomAD v4.1: 1 of 1,613,780 alleles (0.000062%); highest among the groups gnomAD compares: Non-Finnish European, 0.000085%; no homozygotes.

Submissions (3):

All of Us Research Program, National Institutes of Health
Classification: Likely benign for Loeys-Dietz syndrome. Last evaluated: 2023-02-24. Review status: criteria provided, single submitter. Criteria: ACMG Guidelines, 2015. Collection method: clinical testing. Allele origin: germline. Inheritance: Autosomal dominant inheritance. Observed: 1 variant allele, 1 heterozygote.
Comment: This study involves interpretation of variants in research participants for the purpose of population health screening. Participant phenotype was not available at the time of variant classification. Additional details can be found in publication PMID: 35346344, PMCID: PMC8962531

Labcorp Genetics (formerly Invitae), Labcorp
Classification: Uncertain significance for Familial thoracic aortic aneurysm and aortic dissection. Last evaluated: 2022-11-23. Review status: criteria provided, single submitter. Criteria: Invitae Variant Classification Sherloc (09022015). Collection method: clinical testing. Allele origin: germline.
Comment: In summary, the available evidence is currently insufficient to determine the role of this variant in disease. Therefore, it has been classified as a Variant of Uncertain Significance. Algorithms developed to predict the effect of sequence changes on RNA splicing suggest that this variant is not likely to affect RNA splicing. ClinVar contains an entry for this variant (Variation ID: 636440). This variant has not been reported in the literature in individuals affected with TGFBR1-related conditions. The frequency data for this variant in the population databases is considered unreliable, as metrics indicate poor data quality at this position in the gnomAD database. This sequence change affects codon 114 of the TGFBR1 mRNA. It is a 'silent' change, meaning that it does not change the encoded amino acid sequence of the TGFBR1 protein. It affects a nucleotide within the consensus splice site.

Blueprint Genetics
Classification: Uncertain significance. Last evaluated: 2017-06-30. Review status: criteria provided, single submitter. Criteria: ACMG Guidelines, 2015. Collection method: clinical testing. Allele origin: germline.